The following is an entry in ClinVar:

ClinVar aggregate classification (germline): Benign. Review status: criteria provided, multiple submitters, no conflicts (2 of 4 stars). 2 submissions from 2 submitters: Benign (2). Last evaluated 2018-06-14.

Allele frequency attached by ClinVar (database versions not stated): 1000 Genomes Project 30x 0.29966; 1000 Genomes Project 0.30152; TOPMed 0.31966; gnomAD 0.33160 and 0.33177; gnomAD exomes 0.33422.
gnomAD v4.1: 246,234 of 738,184 alleles (33%); highest among the groups gnomAD compares: Admixed American, 36%; 42,396 homozygotes.

Submissions (2):

GeneDx
Classification: Benign. Last evaluated: 2018-06-14. Review status: criteria provided, single submitter. Criteria: GeneDx Variant Classification (06012015). Collection method: clinical testing. Allele origin: germline. Affected: yes.
Comment: This variant is considered likely benign or benign based on one or more of the following criteria: it is a conservative change, it occurs at a poorly conserved position in the protein, it is predicted to be benign by multiple in silico algorithms, and/or has population frequency not consistent with disease.

Breakthrough Genomics
Classification: Benign. Review status: criteria provided, single submitter. Criteria: ACMG Guidelines, 2015. Collection method: not provided. Allele origin: germline. Inheritance: Autosomal recessive inheritance. Affected: yes.

NM_001171155.2(PET100):c.138+245C>G

Genes: PET100 (PET100 cytochrome c oxidase chaperone; plus strand), STXBP2 (syntaxin binding protein 2; plus strand). Cytogenetic location: 19p13.2.
Variant type: single nucleotide variant.
Coding change: c.138+245C>G on transcript NM_001171155.2 (MANE Select); 245 bases into the intron after coding-DNA position 138, C replaced by G.
Molecular consequence: intron variant.
Genome position (GRCh38, 1-based): chr19:7,631,091, C>G. VCF-style: chr19-7631091-C-G. GRCh37 (hg19) VCF-style: chr19-7695977-C-G.
Identifiers: ClinVar variation 683460 (VCV000683460.2), dbSNP rs3760677, ClinGen allele CA14633994.
Genomic context (GRCh38, chr19:7,631,091, plus strand): 5'-AAACCCCATGTCTACAGAAATACAAAACTTAGCCAGGCATGGTGGCAGGCGCCTATAATT[C>G]CAGCTGCTTGGGAGGCTGAGGGAGAAGAATCACTTGAACCCAGGAGGTGGAGGTTGCAGT-3'